The following is an entry in ClinVar:

NM_001400225.1(MGA):c.8834_8835del (p.Ser2945fs)

Gene: MGA (MAX dimerization protein MGA; plus strand). Cytogenetic location: 15q15.1.
Variant type: Microsatellite.
Coding change: c.8834_8835del on transcript NM_001400225.1 (MANE Select); coding-DNA positions 8834 to 8835, 2 bases deleted (CT; older notation c.8834_8835delCT).
Protein change: p.Ser2945fs; shifts the reading frame from serine 2945.
Molecular consequence: frameshift variant.
Genome position (GRCh38, 1-based): chr15:41,766,769-41,766,770, CT deleted; deleting any 2 consecutive bases within chr15:41,766,767-41,766,770 gives the same sequence; the c. name uses the placement nearest the transcript's 3' end. VCF-style (leftmost placement, unchanged base first): chr15-41766766-ACT-A. GRCh37 (hg19) VCF-style: chr15-42058964-ACT-A.
Other names: c.8060_8061del, p.Ser2687fs (NM_001080541.3); c.8687_8688del, p.Ser2896fs (NM_001164273.2); c.5783_5784del, p.Ser1928fs (NM_001400242.1); short protein forms S1928fs, S2687fs, S2896fs, S2945fs.
Identifiers: ClinVar variation 3384405 (VCV003384405.1).

ClinVar aggregate classification (germline): Uncertain significance (1 of 4 stars; one submission).

Submission:

GeneDx
Classification: Uncertain significance. Last evaluated: 2024-01-03. Review status: criteria provided, single submitter. Criteria: GeneDx Variant Classification Process June 2021. Collection method: clinical testing. Allele origin: germline. Affected: yes.
Comment: Has not been previously published as pathogenic or benign to our knowledge; Frameshift variant predicted to result in abnormal protein length as the last 170 amino acids are replaced with 11 different amino acids in a gene for which loss-of-function is not an established mechanism of disease; Not observed at significant frequency in large population cohorts (gnomAD); Variants in candidate genes are classified as variants of uncertain significance in accordance with ACMG guidelines (PMID: 25741868)